The following is an entry in ClinVar:

ClinVar aggregate classification (germline): Pathogenic (1 of 4 stars; one submission).

Conditions:
Maple syrup urine disease (MSUD). Identifiers: Orphanet 511, MedGen C0024776, MeSH D008375, MONDO:0009563. Disease mechanism: loss of function.

Submission:

Labcorp Genetics (formerly Invitae), Labcorp
Classification: Pathogenic for Maple syrup urine disease. Last evaluated: 2023-07-14. Review status: criteria provided, single submitter. Criteria: Invitae Variant Classification Sherloc (09022015). Collection method: clinical testing. Allele origin: germline.
Comment: For these reasons, this variant has been classified as Pathogenic. This variant disrupts a region of the DBT protein in which other variant(s) (p.Met477Arg) have been determined to be pathogenic (PMID: 20307994). This suggests that this is a clinically significant region of the protein, and that variants that disrupt it are likely to be disease-causing. Algorithms developed to predict the effect of sequence changes on RNA splicing suggest that this variant may disrupt the consensus splice site. ClinVar contains an entry for this variant (Variation ID: 844162). This variant has not been reported in the literature in individuals affected with DBT-related conditions. This variant is present in population databases (no rsID available, gnomAD 0.0009%). This sequence change creates a premature translational stop signal (p.Ala422Glyfs*6) in the DBT gene. While this is not anticipated to result in nonsense mediated decay, it is expected to disrupt the last 61 amino acid(s) of the DBT protein.

Literature cited by the submitters: PubMed 20307994.

NM_001918.5(DBT):c.1264dup (p.Ala422fs)

Gene: DBT (dihydrolipoamide branched chain transacylase E2; minus strand). Cytogenetic location: 1p21.2.
Variant type: Duplication.
Coding change: c.1264dup on transcript NM_001918.5 (MANE Select); coding-DNA position 1264, one base duplicated (G; older notation c.1264dupG).
Protein change: p.Ala422fs; shifts the reading frame from alanine 422.
Molecular consequence: frameshift variant.
Genome position (GRCh38, 1-based): chr1:100,206,247, C duplicated on the plus strand (G on the coding strand, the reverse complement: DBT is on the minus strand); the first of 4 consecutive C bases (chr1:100,206,247-100,206,250); duplicating any one gives the same sequence. VCF-style (leftmost placement, unchanged base first): chr1-100206246-G-GC. GRCh37 (hg19) VCF-style: chr1-100671802-G-GC.
Other names: short protein forms A422fs.
Identifiers: ClinVar variation 844162 (VCV000844162.10), dbSNP rs1401829291, ClinGen allele CA525177221.
Genomic context (GRCh38, chr1:100,206,246, plus strand): 5'-TGAATTTGCTTAAACTCCATTTTTCAGTTATCTAATACATGTACCTTAATTGATCCAAGG[G>GC]CCCCAATGGCTACTTCAGGTGGCATTATCACTGGTTTGGCAAAGGTACCACCAATCTATT-3'